The following is an entry in ClinVar:

NM_002474.3(MYH11):c.4236G>A (p.Ala1412=)

Genes: NDE1 (nudE neurodevelopment protein 1; plus strand), MYH11 (myosin heavy chain 11; minus strand). Cytogenetic location: 16p13.11.
Variant type: single nucleotide variant.
Coding change: c.4236G>A on transcript NM_002474.3 (MANE Select); coding-DNA position 4236, G replaced by A.
Protein change: p.Ala1412=; no amino-acid change (alanine 1412 retained).
Molecular consequence: synonymous variant. On other transcripts: 3 prime UTR variant (2).
Genome position (GRCh38, 1-based): chr16:15,724,290, C>T on the plus strand (G>A on the coding strand, the complement: MYH11 is on the minus strand). VCF-style: chr16-15724290-C-T. GRCh37 (hg19) VCF-style: chr16-15818147-C-T.
Other names: c.4257G>A, p.Ala1419= (NM_001040113.2, NM_001040114.2); c.4236G>A, p.Ala1412= (NM_022844.3); c.*39C>T (NM_001143979.2, NM_017668.3).
Identifiers: ClinVar variation 389257 (VCV000389257.16), dbSNP rs771460474, ClinGen allele CA7921729.
Genomic context (GRCh38, chr16:15,724,290, plus strand): 5'-CAGGTCGTCCAGCTCCTGCTGAAGCCTGTTCTTGGTCTTTTCCAGTTTATCATAAGCGGC[C>T]GCCTTCTCCTCGTACTGCTGGGTGAGGTTCTCGATCTCCTTCTGGAACCTCTTCTTCCCC-3'
Protein context (NP_002465.1, residues 1402-1422): ENLTQQYEEK[Ala1412=]AAYDKLEKTK

ClinVar aggregate classification (germline): Likely benign. Review status: criteria provided, multiple submitters, no conflicts (2 of 4 stars). 5 submissions from 5 submitters: Likely benign (5). Last evaluated 2026-01-25.

Conditions:
Familial thoracic aortic aneurysm and aortic dissection (TAAD). Also called: Thoracic aortic aneurysms and dissections. Identifiers: Orphanet 91387, MedGen C4707243, MONDO:0019625.
Aortic aneurysm, familial thoracic 4 (AAT4). Also called: AORTIC ANEURYSM/AORTIC DISSECTION AND PATENT DUCTUS ARTERIOSUS. Identifiers: MedGen C1851504, MONDO:0007568, OMIM 132900.

Allele frequency attached by ClinVar (database versions not stated): gnomAD exomes 0.00002 and 0.00004; ExAC 0.00003; TOPMed 0.00003; gnomAD 0.00004.
gnomAD v4.1: 32 of 1,614,156 alleles (0.002%); highest among the groups gnomAD compares: South Asian, 0.02%; 1 homozygote.

Submissions (5):

Labcorp Genetics (formerly Invitae), Labcorp
Classification: Likely benign for Aortic aneurysm, familial thoracic 4. Last evaluated: 2026-01-25. Review status: criteria provided, single submitter. Criteria: Invitae Variant Classification Sherloc (09022015). Collection method: clinical testing. Allele origin: germline.

All of Us Research Program, National Institutes of Health
Classification: Likely benign for Familial thoracic aortic aneurysm and aortic dissection. Last evaluated: 2023-10-27. Review status: criteria provided, single submitter. Criteria: ACMG Guidelines, 2015. Collection method: clinical testing. Allele origin: germline. Inheritance: Autosomal dominant inheritance. Observed: 6 variant alleles, 6 heterozygotes.
Comment: This study involves interpretation of variants in research participants for the purpose of population health screening. Participant phenotype was not available at the time of variant classification. Additional details can be found in publication PMID: 35346344, PMCID: PMC8962531

Color Diagnostics, LLC DBA Color Health
Classification: Likely benign for Familial thoracic aortic aneurysm and aortic dissection. Last evaluated: 2019-06-13. Review status: criteria provided, single submitter. Criteria: ACMG Guidelines, 2015. Collection method: clinical testing. Allele origin: germline.

Ambry Genetics
Classification: Likely benign for Familial thoracic aortic aneurysm and aortic dissection. Last evaluated: 2017-12-28. Review status: criteria provided, single submitter. Criteria: Ambry Variant Classification Scheme 2023. Collection method: clinical testing. Allele origin: germline.

GeneDx
Classification: Likely benign. Last evaluated: 2016-09-09. Review status: criteria provided, single submitter. Criteria: GeneDx Variant Classification (06012015). Collection method: clinical testing. Allele origin: germline. Affected: yes.
Comment: This variant is considered likely benign or benign based on one or more of the following criteria: it is a conservative change, it occurs at a poorly conserved position in the protein, it is predicted to be benign by multiple in silico algorithms, and/or has population frequency not consistent with disease.